The following is an entry in ClinVar:

NM_033026.6(PCLO):c.2918C>T (p.Pro973Leu)

Gene: PCLO (piccolo presynaptic cytomatrix protein; minus strand). Cytogenetic location: 7q21.11.
Variant type: single nucleotide variant.
Coding change: c.2918C>T on transcript NM_033026.6 (MANE Select); coding-DNA position 2918, C replaced by T.
Protein change: p.Pro973Leu; replaces proline 973 with leucine.
Molecular consequence: missense variant.
Genome position (GRCh38, 1-based): chr7:83,134,632, G>A on the plus strand (C>T on the coding strand, the complement: PCLO is on the minus strand). VCF-style: chr7-83134632-G-A. GRCh37 (hg19) VCF-style: chr7-82763948-G-A.
Other names: c.2918C>T, p.Pro973Leu (NM_014510.3); short protein forms P973L.
Identifiers: ClinVar variation 1427487 (VCV001427487.6), dbSNP rs768443447, ClinGen allele CA4321175.

ClinVar aggregate classification (germline): Uncertain significance (1 of 4 stars; one submission).

Allele frequency attached by ClinVar (database versions not stated): ExAC 0.00001; gnomAD exomes 0.00001 and 0.00002; gnomAD 0.00009 and 0.00010; TOPMed 0.00012.
gnomAD v4.1: 23 of 1,613,770 alleles (0.0014%); highest among the groups gnomAD compares: African/African-American, 0.021%; no homozygotes.

Submission:

Labcorp Genetics (formerly Invitae), Labcorp
Classification: Uncertain significance. Last evaluated: 2025-08-18. Review status: criteria provided, single submitter. Criteria: Invitae Variant Classification Sherloc (09022015). Collection method: clinical testing. Allele origin: germline.
Comment: This sequence change replaces proline, which is neutral and non-polar, with leucine, which is neutral and non-polar, at codon 973 of the PCLO protein (p.Pro973Leu). This variant is present in population databases (rs768443447, gnomAD 0.01%). This variant has not been reported in the literature in individuals affected with PCLO-related conditions. ClinVar contains an entry for this variant (Variation ID: 1427487). Experimental studies and prediction algorithms are not available or were not evaluated, and the functional significance of this variant is currently unknown. In summary, the available evidence is currently insufficient to determine the role of this variant in disease. Therefore, it has been classified as a Variant of Uncertain Significance.